The following is an entry in ClinVar:

NM_000067.3(CA2):c.275A>C (p.Gln92Pro)

Gene: CA2 (carbonic anhydrase 2; plus strand). Cytogenetic location: 8q21.2.
Variant type: single nucleotide variant.
Coding change: c.275A>C on transcript NM_000067.3 (MANE Select); coding-DNA position 275, A replaced by C.
Protein change: p.Gln92Pro; replaces glutamine 92 with proline.
Molecular consequence: missense variant. On other transcripts: intron variant (1).
Genome position (GRCh38, 1-based): chr8:85,473,735, A>C. VCF-style: chr8-85473735-A-C. GRCh37 (hg19) VCF-style: chr8-86385964-A-C.
Other names: c.49-589A>C (NM_001293675.2); short protein forms Q92P.
Identifiers: ClinVar variation 973759 (VCV000973759.16), dbSNP rs1304160279, ClinGen allele CA371428294.

ClinVar aggregate classification (germline): Likely pathogenic. Review status: criteria provided, multiple submitters, no conflicts (2 of 4 stars). 3 submissions from 3 submitters: Likely pathogenic (3). Last evaluated 2026-02-01.

Conditions:
Osteopetrosis with renal tubular acidosis (OPTB3). Also called: Autosomal recessive osteopetrosis 3. Identifiers: Orphanet 2785, MedGen C0345407, MONDO:0009818, OMIM 259730.

Allele frequency attached by ClinVar (database versions not stated): TOPMed 0.00001.

Submissions (3):

CeGaT Center for Human Genetics Tuebingen
Classification: Likely pathogenic. Last evaluated: 2026-02-01. Review status: criteria provided, single submitter. Criteria: CeGaT Center For Human Genetics Tuebingen Variant Classification Criteria Version 2. Collection method: clinical testing. Allele origin: germline. Affected: yes. Observed: 3 variant alleles.
Comment: CA2: PM3:Strong, PM2, PP4

3billion
Classification: Likely pathogenic for Osteopetrosis with renal tubular acidosis. Last evaluated: 2023-06-22. Review status: criteria provided, single submitter. Criteria: ACMG Guidelines, 2015. Collection method: clinical testing. Allele origin: germline. Affected: yes.
Comment: The variant is not observed in the gnomAD v2.1.1 dataset. Predicted Consequence/Location: Missense variant In silico tool predictions suggest damaging effect of the variant on gene or gene product (REVEL: 0.93; 3Cnet: 0.77). Same nucleotide change resulting in same amino acid change has been previously reported to be associated with CA2 related disorder (ClinVar ID: VCV000973759 /PMID: 9143915). However, the evidence of pathogenicity is insufficient at this time. The variant has been observed in at least two similarly affected unrelated individuals (ClinVar ID: SCV001364072, PMID: 9143915). The variant has been reported to be in trans with a pathogenic variant as either compound heterozygous or homozygous in at least one similarly affected unrelated individual (ClinVar ID: SCV001364072, PMID: 9143915). Therefore, this variant is classified as Likely pathogenic according to the recommendation of ACMG/AMP guideline.

Institute for Medical Genetics and Human Genetics, Charité - Universitätsmedizin Berlin
Classification: Likely pathogenic for Osteopetrosis with renal tubular acidosis. Review status: criteria provided, single submitter. Criteria: ACMG Guidelines, 2015. Collection method: clinical testing. Allele origin: germline. Inheritance: Autosomal recessive inheritance. Affected: yes. Observed: 1 homozygote.
Comment: Several prediction programs classify this amino acid exchange as pathogenic (PP3). The sequence variant is not listed in the databases ExAC and gnomAD (PM2). The above sequence variant has already been described in three patients with osteopetrosis and renal acidosis (MIM# 259739) in homozygous state (PP5) (Hu et al. 1997; Shah et al. 2004). According to the current state of knowledge, this is a probable pathogenic mutation (class IV).

Literature cited by the submitters: PubMed 9143915 (cited by 3billion).